The following is an entry in ClinVar:

ClinVar aggregate classification (germline): Uncertain significance (1 of 4 stars; one submission).

Submission:

Labcorp Genetics (formerly Invitae), Labcorp
Classification: Uncertain significance. Last evaluated: 2024-10-17. Review status: criteria provided, single submitter. Criteria: Invitae Variant Classification Sherloc (09022015). Collection method: clinical testing. Allele origin: germline.
Comment: This sequence change replaces threonine, which is neutral and polar, with arginine, which is basic and polar, at codon 1772 of the ATR protein (p.Thr1772Arg). This variant is not present in population databases (gnomAD no frequency). This variant has not been reported in the literature in individuals affected with ATR-related conditions. ClinVar contains an entry for this variant (Variation ID: 1020788). An algorithm developed to predict the effect of missense changes on protein structure and function (PolyPhen-2) suggests that this variant is likely to be tolerated. In summary, the available evidence is currently insufficient to determine the role of this variant in disease. Therefore, it has been classified as a Variant of Uncertain Significance.

NM_001184.4(ATR):c.5315C>G (p.Thr1772Arg)

Gene: ATR (ATR checkpoint kinase; minus strand). Cytogenetic location: 3q23.
Variant type: single nucleotide variant.
Coding change: c.5315C>G on transcript NM_001184.4 (MANE Select); coding-DNA position 5315, C replaced by G.
Protein change: p.Thr1772Arg; replaces threonine 1772 with arginine.
Molecular consequence: missense variant.
Genome position (GRCh38, 1-based): chr3:142,499,692, G>C on the plus strand (C>G on the coding strand, the complement: ATR is on the minus strand). VCF-style: chr3-142499692-G-C. GRCh37 (hg19) VCF-style: chr3-142218534-G-C.
Other names: c.5123C>G, p.Thr1708Arg (NM_001354579.2); short protein forms T1708R, T1772R.
Identifiers: ClinVar variation 1020788 (VCV001020788.8), dbSNP rs761581896, ClinGen allele CA354817160.